The following is an entry in ClinVar:

NM_053025.4(MYLK):c.1413C>G (p.Tyr471Ter)

Gene: MYLK (myosin light chain kinase; minus strand). Cytogenetic location: 3q21.1.
Variant type: single nucleotide variant.
Coding change: c.1413C>G on transcript NM_053025.4 (MANE Select); coding-DNA position 1413, C replaced by G.
Protein change: p.Tyr471Ter; replaces tyrosine 471 with a stop codon.
Molecular consequence: nonsense. On other transcripts: intron variant (2).
Genome position (GRCh38, 1-based): chr3:123,732,999, G>C on the plus strand (C>G on the coding strand, the complement: MYLK is on the minus strand). VCF-style: chr3-123732999-G-C. GRCh37 (hg19) VCF-style: chr3-123451846-G-C.
Other names: c.885C>G, p.Tyr295Ter (NM_001321309.2); c.1413C>G, p.Tyr471Ter (NM_053027.4); c.1309+688C>G (NM_053028.4, NM_053026.4); short protein forms Y471*, Y295*.
Identifiers: ClinVar variation 439940 (VCV000439940.23), dbSNP rs751748077, ClinGen allele CA067073.

ClinVar aggregate classification (germline): Conflicting classifications of pathogenicity. Review status: criteria provided, conflicting classifications (1 of 4 stars). 7 submissions from 7 submitters: Uncertain significance (6); Likely benign (1). Last evaluated 2026-01-17.

Conditions:
Familial thoracic aortic aneurysm and aortic dissection (TAAD). Also called: Thoracic aortic aneurysms and dissections. Identifiers: Orphanet 91387, MedGen C4707243, MONDO:0019625.
Aortic aneurysm, familial thoracic 7 (AAT7). Also called: AORTIC DISSECTION, FAMILIAL, WITH OR WITHOUT AORTIC ANEURYSM. Identifiers: MedGen C3151077, MONDO:0013418, OMIM 613780.
Megacystis-microcolon-intestinal hypoperistalsis syndrome 1. Identifiers: MedGen C5542316, MONDO:0100354, OMIM 249210.

Allele frequency attached by ClinVar (database versions not stated): ExAC 0.00001; gnomAD 0.00001; gnomAD exomes 0.00001 and 0.00002; TOPMed 0.00001.
gnomAD v4.1: 29 of 1,614,068 alleles (0.0018%); highest among the groups gnomAD compares: Non-Finnish European, 0.0024%; no homozygotes.

Submissions (7):

Labcorp Genetics (formerly Invitae), Labcorp
Classification: Uncertain significance for Aortic aneurysm, familial thoracic 7. Last evaluated: 2026-01-17. Review status: criteria provided, single submitter. Criteria: Invitae Variant Classification Sherloc (09022015). Collection method: clinical testing. Allele origin: germline.
Comment: This sequence change creates a premature translational stop signal (p.Tyr471*) in the MYLK gene. This variant occurs in the long isoform of MYLK (PMID: 21055718). The current clinical and genetic evidence is not sufficient to establish whether loss-of-function variants in the long isoform of MYLK cause disease. This variant is present in population databases (rs751748077, gnomAD 0.002%). This variant has not been reported in the literature in individuals affected with MYLK-related conditions. ClinVar contains an entry for this variant (Variation ID: 439940). Algorithms developed to predict the effect of sequence changes on RNA splicing suggest that this variant may disrupt the consensus splice site. In summary, the available evidence is currently insufficient to determine the role of this variant in disease. Therefore, it has been classified as a Variant of Uncertain Significance.

AiLife Diagnostics
Classification: Uncertain significance. Last evaluated: 2022-01-01. Review status: criteria provided, single submitter. Criteria: ACMG Guidelines, 2015. Collection method: clinical testing. Allele origin: germline. Affected: yes. Observed: 1 variant allele.

Blueprint Genetics
Classification: Likely benign. Last evaluated: 2021-12-02. Review status: criteria provided, single submitter. Criteria: ACMG Guidelines, 2015. Collection method: clinical testing. Allele origin: germline.

Fulgent Genetics
Classification: Uncertain significance for Megacystis-microcolon-intestinal hypoperistalsis syndrome 1; Aortic aneurysm, familial thoracic 7. Last evaluated: 2021-08-17. Review status: criteria provided, single submitter. Criteria: ACMG Guidelines, 2015. Collection method: clinical testing. Allele origin: unknown.

GeneDx
Classification: Uncertain significance. Last evaluated: 2020-08-05. Review status: criteria provided, single submitter. Criteria: GeneDx Variant Classification Process June 2021. Collection method: clinical testing. Allele origin: germline. Affected: yes.
Comment: Has not been previously published as pathogenic or benign to our knowledge; Not observed at a significant frequency in large population cohorts (Lek et al., 2016); Nonsense variant predicted to result in protein truncation or nonsense mediated decay; Not located in the smooth muscle isoform, where the majority of loss-of-function variants associated with autosomal dominant TAAD and autosomal recessive MMIHS have been reported to date (Wang et al., 2010; Stenson et al., 2014); Reported in ClinVar as a variant of uncertain significance (ClinVar Variant ID# 439940; Landrum et al., 2016)

Ambry Genetics
Classification: Uncertain significance for Familial thoracic aortic aneurysm and aortic dissection. Last evaluated: 2018-01-16. Review status: criteria provided, single submitter. Criteria: Ambry Variant Classification Scheme 2023. Collection method: clinical testing. Allele origin: germline.
Comment: The p.Y471* variant (also known as c.1413C>G), located in coding exon 8 of the MYLK gene, results from a C to G substitution at nucleotide position 1413. This changes the amino acid from a tyrosine to a stop codon within coding exon 8. This alteration is expected to result in loss of function by premature protein truncation or nonsense-mediated mRNA decay. However, loss of function of MYLK has not been clearly established as a mechanism of disease. Since supporting evidence is limited at this time, the clinical significance of this alteration remains unclear.

ARUP Laboratories, Molecular Genetics and Genomics, ARUP Laboratories
Classification: Uncertain significance. Last evaluated: 2016-08-23. Review status: criteria provided, single submitter. Criteria: ARUP Molecular Germline Variant Investigation Process. Collection method: clinical testing. Allele origin: germline.

Literature cited by the submitters: PubMed 21055718 (cited by Labcorp Genetics (formerly Invitae), Labcorp).